The following is an entry in ClinVar:

ClinVar aggregate classification (germline): Uncertain significance (1 of 4 stars; one submission).

Submission:

GeneDx
Classification: Uncertain significance. Last evaluated: 2025-02-04. Review status: criteria provided, single submitter. Criteria: GeneDx Variant Classification Process June 2021. Collection method: clinical testing. Allele origin: germline. Affected: yes.
Comment: Not observed at significant frequency in large population cohorts (gnomAD); In silico analysis supports that this missense variant has a deleterious effect on protein structure/function; Has not been previously published as pathogenic or benign to our knowledge

NM_013450.4(BAZ2B):c.5630T>G (p.Leu1877Arg)

Gene: BAZ2B (bromodomain adjacent to zinc finger domain 2B; minus strand). Cytogenetic location: 2q24.2.
Variant type: single nucleotide variant.
Coding change: c.5630T>G on transcript NM_013450.4 (MANE Select); coding-DNA position 5630, T replaced by G.
Protein change: p.Leu1877Arg; replaces leucine 1877 with arginine.
Molecular consequence: missense variant.
Genome position (GRCh38, 1-based): chr2:159,337,597, A>C on the plus strand (T>G on the coding strand, the complement: BAZ2B is on the minus strand). VCF-style: chr2-159337597-A-C. GRCh37 (hg19) VCF-style: chr2-160194108-A-C.
Other names: c.5522T>G, p.Leu1841Arg (NM_001289975.1); c.5468T>G, p.Leu1823Arg (NM_001329857.2); c.5555T>G, p.Leu1852Arg (NM_001329858.2); short protein forms L1823R, L1841R, L1852R, L1877R.
Identifiers: ClinVar variation 4072789 (VCV004072789.1).